The following is an entry in ClinVar:

ClinVar aggregate classification (germline): Benign. Review status: criteria provided, single submitter (1 of 4 stars). 3 submissions from 3 submitters: Benign (1). 2 of the submissions do not count toward it. Last evaluated 2025-07-21.

Conditions:
DNAI2-related disorder. Also called: DNAI2-related condition.
Primary ciliary dyskinesia. Also called: Ciliary dyskinesia. Identifiers: Orphanet 244, MedGen C0008780, MONDO:0016575, HP:0012265.

Allele frequency attached by ClinVar (database versions not stated): gnomAD exomes 0.00008 and 0.00026; gnomAD 0.00009 and 0.00012; TOPMed 0.00011; 1000 Genomes Project 30x 0.00016; ExAC 0.00019; 1000 Genomes Project 0.00020.
gnomAD v4.1: 141 of 1,613,622 alleles (0.0087%); highest among the groups gnomAD compares: East Asian, 0.29%; no homozygotes.

Submissions (3):

Labcorp Genetics (formerly Invitae), Labcorp
Classification: Benign for Primary ciliary dyskinesia. Last evaluated: 2025-07-21. Review status: criteria provided, single submitter. Criteria: Invitae Variant Classification Sherloc (09022015). Collection method: clinical testing. Allele origin: germline.

Natera, Inc.
Classification: Likely benign for Primary ciliary dyskinesia. Last evaluated: 2020-06-17. Review status: no assertion criteria provided. Collection method: clinical testing. Allele origin: germline. Not counted in ClinVar's aggregate classification.

PreventionGenetics, part of Exact Sciences
Classification: Likely benign for DNAI2-related condition. Last evaluated: 2019-10-28. Review status: no assertion criteria provided. Collection method: clinical testing. Allele origin: germline. Not counted in ClinVar's aggregate classification.
Comment: This variant is classified as likely benign based on ACMG/AMP sequence variant interpretation guidelines (Richards et al. 2015 PMID: 25741868, with internal and published modifications).

NM_023036.6(DNAI2):c.1485A>G (p.Val495=)

Gene: DNAI2 (dynein axonemal intermediate chain 2; plus strand). Cytogenetic location: 17q25.1.
Variant type: single nucleotide variant.
Coding change: c.1485A>G on transcript NM_023036.6 (MANE Select); coding-DNA position 1485, A replaced by G.
Protein change: p.Val495=; no amino-acid change (valine 495 retained).
Molecular consequence: synonymous variant. On other transcripts: non-coding transcript variant (1).
Genome position (GRCh38, 1-based): chr17:74,310,154, A>G. VCF-style: chr17-74310154-A-G. GRCh37 (hg19) VCF-style: chr17-72306293-A-G.
Other names: c.1449A>G, p.Val483= (NM_001172810.3); c.1485A>G, p.Val495= (NM_001353167.2).
Identifiers: ClinVar variation 700477 (VCV000700477.14), dbSNP rs200587166, ClinGen allele CA8745788.